The following is an entry in ClinVar:

ClinVar aggregate classification (germline): Uncertain significance. Review status: criteria provided, multiple submitters, no conflicts (2 of 4 stars). 2 submissions from 2 submitters: Uncertain significance (2). Last evaluated 2025-09-24.

Conditions:
Early Myoclonic Encephalopathy. Identifiers: MedGen C0270855.

Allele frequency attached by ClinVar (database versions not stated): gnomAD exomes 0.00002 and 0.00006; TOPMed 0.00003; ExAC 0.00001; gnomAD 0.00001.
gnomAD v4.1: 96 of 1,613,978 alleles (0.0059%); highest among the groups gnomAD compares: Non-Finnish European, 0.0074%; no homozygotes.

Submissions (2):

Labcorp Genetics (formerly Invitae), Labcorp
Classification: Uncertain significance for Early Myoclonic Encephalopathy. Last evaluated: 2025-09-24. Review status: criteria provided, single submitter. Criteria: Invitae Variant Classification Sherloc (09022015). Collection method: clinical testing. Allele origin: germline.
Comment: This sequence change replaces valine, which is neutral and non-polar, with isoleucine, which is neutral and non-polar, at codon 2399 of the JMJD1C protein (p.Val2399Ile). This variant is present in population databases (rs201653430, gnomAD 0.009%). This variant has not been reported in the literature in individuals affected with JMJD1C-related conditions. ClinVar contains an entry for this variant (Variation ID: 657114). Invitae Evidence Modeling of protein sequence and biophysical properties (such as structural, functional, and spatial information, amino acid conservation, physicochemical variation, residue mobility, and thermodynamic stability) indicates that this missense variant is not expected to disrupt JMJD1C protein function with a negative predictive value of 80%. In summary, the available evidence is currently insufficient to determine the role of this variant in disease. Therefore, it has been classified as a Variant of Uncertain Significance.

Ambry Genetics
Classification: Uncertain significance. Last evaluated: 2024-03-28. Review status: criteria provided, single submitter. Criteria: Ambry Variant Classification Scheme 2023. Collection method: clinical testing. Allele origin: germline.

NM_032776.3(JMJD1C):c.7195G>A (p.Val2399Ile)

Gene: JMJD1C (jumonji domain containing 1C; minus strand). Cytogenetic location: 10q21.3.
Variant type: single nucleotide variant.
Coding change: c.7195G>A on transcript NM_032776.3 (MANE Select); coding-DNA position 7195, G replaced by A.
Protein change: p.Val2399Ile; replaces valine 2399 with isoleucine.
Molecular consequence: missense variant. On other transcripts: non-coding transcript variant (1).
Genome position (GRCh38, 1-based): chr10:63,177,746, C>T on the plus strand (G>A on the coding strand, the complement: JMJD1C is on the minus strand). VCF-style: chr10-63177746-C-T. GRCh37 (hg19) VCF-style: chr10-64937506-C-T.
Other names: c.7195G>A (NM_032776.1); c.6649G>A, p.Val2217Ile (NM_001282948.2, NM_001318154.2); c.6331G>A, p.Val2111Ile (NM_001318153.2); c.7081G>A, p.Val2361Ile (NM_001322252.2); c.6538G>A, p.Val2180Ile (NM_001322254.2, NM_001322258.2); short protein forms V2361I, V2399I, V2217I, V2180I, V2111I.
Identifiers: ClinVar variation 657114 (VCV000657114.11), dbSNP rs201653430, ClinGen allele CA5517704.